The following is an entry in ClinVar:

NM_001366385.1(CARD14):c.1925T>A (p.Leu642His)

Genes: CARD14 (caspase recruitment domain family member 14; plus strand), SGSH (N-sulfoglucosamine sulfohydrolase; minus strand). Cytogenetic location: 17q25.3.
Variant type: single nucleotide variant.
Coding change: c.1925T>A on transcript NM_001366385.1 (MANE Select); coding-DNA position 1925, T replaced by A.
Protein change: p.Leu642His; replaces leucine 642 with histidine.
Molecular consequence: missense variant. On other transcripts: non-coding transcript variant (1).
Genome position (GRCh38, 1-based): chr17:80,201,817, T>A. VCF-style: chr17-80201817-T-A. GRCh37 (hg19) VCF-style: chr17-78175616-T-A.
Other names: c.1925T>A, p.Leu642His (NM_001257970.1, NM_024110.4); short protein forms L642H.
Identifiers: ClinVar variation 2926952 (VCV002926952.3), dbSNP rs2510712559, ClinGen allele CA401352583.

ClinVar aggregate classification (germline): Uncertain significance (1 of 4 stars; one submission).

Conditions:
Psoriasis 2. Identifiers: MedGen C1864497, MONDO:0011269, OMIM 602723.
Pityriasis rubra pilaris (PRP). Also called: Pityriasis rubra pilaris--familial type. Identifiers: Orphanet 2897, MedGen C0032027, MONDO:0100017, OMIM 173200, MONDO:0008251.

gnomAD v4.1: 1 of 1,614,042 alleles (0.000062%); highest among the groups gnomAD compares: Middle Eastern, 0.017%; no homozygotes.

Submission:

Labcorp Genetics (formerly Invitae), Labcorp
Classification: Uncertain significance for Pityriasis rubra pilaris; Psoriasis 2. Last evaluated: 2025-03-03. Review status: criteria provided, single submitter. Criteria: Invitae Variant Classification Sherloc (09022015). Collection method: clinical testing. Allele origin: germline.
Comment: This sequence change replaces leucine, which is neutral and non-polar, with histidine, which is basic and polar, at codon 642 of the CARD14 protein (p.Leu642His). This variant is not present in population databases (gnomAD no frequency). This variant has not been reported in the literature in individuals affected with CARD14-related conditions. ClinVar contains an entry for this variant (Variation ID: 2926952). Invitae Evidence Modeling of protein sequence and biophysical properties (such as structural, functional, and spatial information, amino acid conservation, physicochemical variation, residue mobility, and thermodynamic stability) has been performed for this missense variant. However, the output from this modeling did not meet the statistical confidence thresholds required to predict the impact of this variant on CARD14 protein function. In summary, the available evidence is currently insufficient to determine the role of this variant in disease. Therefore, it has been classified as a Variant of Uncertain Significance.